The following is an entry in ClinVar:

NM_001613.4(ACTA2):c.620A>G (p.Glu207Gly)

Genes: ACTA2 (actin alpha 2, smooth muscle; minus strand), ACTA2-AS1 (ACTA2 antisense RNA 1; plus strand). Cytogenetic location: 10q23.31.
Variant type: single nucleotide variant.
Coding change: c.620A>G on transcript NM_001613.4 (MANE Select); coding-DNA position 620, A replaced by G.
Protein change: p.Glu207Gly; replaces glutamic acid 207 with glycine.
Molecular consequence: missense variant. On other transcripts: non-coding transcript variant (1), intron variant (1).
Genome position (GRCh38, 1-based): chr10:88,939,695, T>C on the plus strand (A>G on the coding strand, the complement: ACTA2 is on the minus strand). VCF-style: chr10-88939695-T-C. GRCh37 (hg19) VCF-style: chr10-90699452-T-C.
Other names: c.620A>G, p.Glu207Gly (NM_001141945.3, NM_001320855.2, NM_001406462.1 and 2 more transcripts); c.509A>G, p.Glu170Gly (NM_001406466.1); c.491A>G, p.Glu164Gly (NM_001406467.1, NM_001406468.1, NM_001406469.1); c.617-1453A>G (NM_001406471.1); short protein forms E170G, E207G, E164G.
Identifiers: ClinVar variation 3720751 (VCV003720751.3).

ClinVar aggregate classification (germline): Uncertain significance. Review status: criteria provided, multiple submitters, no conflicts (2 of 4 stars). 2 submissions from 2 submitters: Uncertain significance (2). Last evaluated 2025-09-16.

Conditions:
ACTA2-related disorder. Also called: ACTA2-related disorders; ACTA2-related condition.
Aortic aneurysm, familial thoracic 6 (AAT6). Also called: FAMILIAL THORACIC AORTIC ANEURYSM WITH LIVEDO RETICULARIS AND IRIS FLOCCULI. Identifiers: MedGen C2673186, MONDO:0012730, OMIM 611788.

Submissions (2):

PreventionGenetics, part of Exact Sciences
Classification: Uncertain significance for ACTA2-related condition. Last evaluated: 2025-09-16. Review status: criteria provided, single submitter. Criteria: ACMG Guidelines, 2015. Collection method: clinical testing. Allele origin: germline.
Comment: The ACTA2 c.620A>G variant is predicted to result in the amino acid substitution p.Glu207Gly. To our knowledge, this variant has not been reported in the literature or in a large population database (gnomAD), indicating this variant is rare. At this time, the clinical significance of this variant is uncertain due to the absence of conclusive functional and genetic evidence.

Labcorp Genetics (formerly Invitae), Labcorp
Classification: Uncertain significance for Aortic aneurysm, familial thoracic 6. Last evaluated: 2024-11-27. Review status: criteria provided, single submitter. Criteria: Invitae Variant Classification Sherloc (09022015). Collection method: clinical testing. Allele origin: germline.
Comment: This sequence change replaces glutamic acid, which is acidic and polar, with glycine, which is neutral and non-polar, at codon 207 of the ACTA2 protein (p.Glu207Gly). This variant is not present in population databases (gnomAD no frequency). This variant has not been reported in the literature in individuals affected with ACTA2-related conditions. Invitae Evidence Modeling of protein sequence and biophysical properties (such as structural, functional, and spatial information, amino acid conservation, physicochemical variation, residue mobility, and thermodynamic stability) indicates that this missense variant is not expected to disrupt ACTA2 protein function with a negative predictive value of 80%. In summary, the available evidence is currently insufficient to determine the role of this variant in disease. Therefore, it has been classified as a Variant of Uncertain Significance.